The following is an entry in ClinVar:

NM_017415.3(KLHL3):c.1360C>T (p.Arg454Cys)

Gene: KLHL3 (kelch like family member 3; minus strand). Cytogenetic location: 5q31.2.
Variant type: single nucleotide variant.
Coding change: c.1360C>T on transcript NM_017415.3 (MANE Select); coding-DNA position 1360, C replaced by T.
Protein change: p.Arg454Cys; replaces arginine 454 with cysteine.
Molecular consequence: missense variant.
Genome position (GRCh38, 1-based): chr5:137,634,127, G>A on the plus strand (C>T on the coding strand, the complement: KLHL3 is on the minus strand). VCF-style: chr5-137634127-G-A. GRCh37 (hg19) VCF-style: chr5-136969816-G-A.
Other names: c.1264C>T, p.Arg422Cys (NM_001257194.1); c.1114C>T, p.Arg372Cys (NM_001257195.2); short protein forms R372C, R422C, R454C.
Identifiers: ClinVar variation 4532256 (VCV004532256.1).

ClinVar aggregate classification (germline): Uncertain significance (1 of 4 stars; one submission).

Conditions:
Renal tubulopathies.

gnomAD v4.1: 21 of 1,613,652 alleles (0.0013%); highest among the groups gnomAD compares: South Asian, 0.0033%; no homozygotes.

Submission:

Genetics Laboratory, Great Ormond Street Hospital NHS Foundation Trust, North Thames Genomic Laboratory Hub
Classification: Uncertain significance for Renal tubulopathies. Last evaluated: 2025-10-02. Review status: criteria provided, single submitter. Criteria: ACGS Best Practice Guidelines for Variant Classification in Rare Disease 2024 v1.2. Collection method: clinical testing. Allele origin: germline. Affected: yes.
Comment: PM2_moderate, PM3_moderate, PP4_supporting